The following is an entry in ClinVar:

ClinVar aggregate classification (germline): Uncertain significance (1 of 4 stars; one submission).

Submission:

Labcorp Genetics (formerly Invitae), Labcorp
Classification: Uncertain significance. Last evaluated: 2024-10-17. Review status: criteria provided, single submitter. Criteria: Invitae Variant Classification Sherloc (09022015). Collection method: clinical testing. Allele origin: germline.
Comment: This sequence change creates a premature translational stop signal (p.Pro435Thrfs*96) in the MAGEL2 gene. While this is not anticipated to result in nonsense mediated decay, it is expected to disrupt the last 815 amino acid(s) of the MAGEL2 protein. This variant is present in population databases (no rsID available, gnomAD 0.006%). This variant has not been reported in the literature in individuals affected with MAGEL2-related conditions. Experimental studies and prediction algorithms are not available or were not evaluated, and the functional significance of this variant is currently unknown. In summary, the available evidence is currently insufficient to determine the role of this variant in disease. Therefore, it has been classified as a Variant of Uncertain Significance.

NM_019066.5(MAGEL2):c.1301dup (p.Pro435fs)

Gene: MAGEL2 (MAGE family member L2; minus strand). Cytogenetic location: 15q11.2.
Variant type: Duplication.
Coding change: c.1301dup on transcript NM_019066.5 (MANE Select); coding-DNA position 1301, one base duplicated (C; older notation c.1301dupC).
Protein change: p.Pro435fs; shifts the reading frame from proline 435.
Molecular consequence: frameshift variant.
Genome position (GRCh38, 1-based): chr15:23,646,442, G duplicated on the plus strand (C on the coding strand, the reverse complement: MAGEL2 is on the minus strand); the first of 4 consecutive G bases (chr15:23,646,442-23,646,445); duplicating any one gives the same sequence. VCF-style (leftmost placement, unchanged base first): chr15-23646441-T-TG. GRCh37 (hg19) VCF-style: chr15-23891588-T-TG.
Other names: short protein forms P435fs.
Identifiers: ClinVar variation 2744641 (VCV002744641.3), dbSNP rs1319869965, ClinGen allele CA617084272.